The following is an entry in ClinVar:

ClinVar aggregate classification (germline): Uncertain significance (1 of 4 stars; one submission).

Conditions:
Supravalvar aortic stenosis (SVAS). Also called: Supravalvar aortic stenosis, Eisenberg type. Identifiers: Orphanet 3193, MedGen C0003499, MONDO:0008504, OMIM 185500, HP:0004381.

Allele frequency attached by ClinVar (database versions not stated): gnomAD exomes 0.00001; gnomAD 0.00002; ExAC 0.00006; 1000 Genomes Project 0.00020; 1000 Genomes Project 30x 0.00031.
gnomAD v4.1: 22 of 1,590,490 alleles (0.0014%); highest among the groups gnomAD compares: South Asian, 0.025%; no homozygotes.

Submission:

Labcorp Genetics (formerly Invitae), Labcorp
Classification: Uncertain significance for Supravalvar aortic stenosis. Last evaluated: 2025-12-22. Review status: criteria provided, single submitter. Criteria: Invitae Variant Classification Sherloc (09022015). Collection method: clinical testing. Allele origin: germline.
Comment: This sequence change falls in intron 8 of the ELN gene. It does not directly change the encoded amino acid sequence of the ELN protein. It affects a nucleotide within the consensus splice site. This variant is present in population databases (rs542209115, gnomAD 0.02%). This variant has not been reported in the literature in individuals affected with ELN-related conditions. ClinVar contains an entry for this variant (Variation ID: 2039744). Variants that disrupt the consensus splice site are a relatively common cause of aberrant splicing (PMID: 17576681, 9536098). Algorithms developed to predict the effect of sequence changes on RNA splicing suggest that this variant may disrupt the consensus splice site. In summary, the available evidence is currently insufficient to determine the role of this variant in disease. Therefore, it has been classified as a Variant of Uncertain Significance.

Literature cited by the submitters: PubMed 17576681; PubMed 9536098.

NM_000501.4(ELN):c.427+4A>G

Gene: ELN (elastin; plus strand). Cytogenetic location: 7q11.23.
Variant type: single nucleotide variant.
Coding change: c.427+4A>G on transcript NM_000501.4 (MANE Select); 4 bases into the intron after coding-DNA position 427, A replaced by G.
Molecular consequence: intron variant.
Genome position (GRCh38, 1-based): chr7:74,043,172, A>G. VCF-style: chr7-74043172-A-G. GRCh37 (hg19) VCF-style: chr7-73457502-A-G.
Other names: c.442+4A>G (NM_001081754.3, NM_001081753.3); c.427+4A>G (NM_001278939.2, NM_001278915.2, NM_001278912.2 and 2 more transcripts); c.391+4A>G (NM_001278913.2); c.412+4A>G (NM_001278914.2); c.397+4A>G (NM_001278917.2, NM_001081752.3, NM_001278918.2).
Identifiers: ClinVar variation 2039744 (VCV002039744.4), dbSNP rs542209115, ClinGen allele CA4292477.